The following is an entry in ClinVar:

NM_005535.3(IL12RB1):c.710C>T (p.Pro237Leu)

Gene: IL12RB1 (interleukin 12 receptor subunit beta 1; minus strand). Cytogenetic location: 19p13.11.
Variant type: single nucleotide variant.
Coding change: c.710C>T on transcript NM_005535.3 (MANE Select); coding-DNA position 710, C replaced by T.
Protein change: p.Pro237Leu; replaces proline 237 with leucine.
Molecular consequence: missense variant.
Genome position (GRCh38, 1-based): chr19:18,073,590, G>A on the plus strand (C>T on the coding strand, the complement: IL12RB1 is on the minus strand). VCF-style: chr19-18073590-G-A. GRCh37 (hg19) VCF-style: chr19-18184400-G-A.
Other names: c.710C>T, p.Pro237Leu (NM_001290023.2, NM_153701.3); c.830C>T, p.Pro277Leu (NM_001290024.2); short protein forms P237L, P277L.
Identifiers: ClinVar variation 2119329 (VCV002119329.4), dbSNP rs1402432695, ClinGen allele CA404780915.

ClinVar aggregate classification (germline): Uncertain significance (1 of 4 stars; one submission).

Conditions:
Mendelian susceptibility to mycobacterial diseases due to complete IL12RB1 deficiency. Also called: IL12RB1 DEFICIENCY; Immunodeficiency 30. Identifiers: Orphanet 319552, MedGen C4013949, MONDO:0013955, OMIM 614891.

gnomAD v4.1: 6 of 1,608,610 alleles (0.00037%); highest among the groups gnomAD compares: South Asian, 0.0011%; no homozygotes.

Submission:

Labcorp Genetics (formerly Invitae), Labcorp
Classification: Uncertain significance for Mendelian susceptibility to mycobacterial diseases due to complete IL12RB1 deficiency. Last evaluated: 2022-04-20. Review status: criteria provided, single submitter. Criteria: Invitae Variant Classification Sherloc (09022015). Collection method: clinical testing. Allele origin: germline.
Comment: In summary, the available evidence is currently insufficient to determine the role of this variant in disease. Therefore, it has been classified as a Variant of Uncertain Significance. Algorithms developed to predict the effect of missense changes on protein structure and function are either unavailable or do not agree on the potential impact of this missense change (SIFT: "Tolerated"; PolyPhen-2: "Possibly Damaging"; Align-GVGD: "Class C0"). This variant has not been reported in the literature in individuals affected with IL12RB1-related conditions. This variant is not present in population databases (gnomAD no frequency). This sequence change replaces proline, which is neutral and non-polar, with leucine, which is neutral and non-polar, at codon 237 of the IL12RB1 protein (p.Pro237Leu).